The following is an entry in ClinVar:

NM_000088.4(COL1A1):c.71A>G (p.Glu24Gly)

Gene: COL1A1 (collagen type I alpha 1 chain; minus strand). Cytogenetic location: 17q21.33.
Variant type: single nucleotide variant.
Coding change: c.71A>G on transcript NM_000088.4 (MANE Select); coding-DNA position 71, A replaced by G.
Protein change: p.Glu24Gly; replaces glutamic acid 24 with glycine.
Molecular consequence: missense variant.
Genome position (GRCh38, 1-based): chr17:50,201,443, T>C on the plus strand (A>G on the coding strand, the complement: COL1A1 is on the minus strand). VCF-style: chr17-50201443-T-C. GRCh37 (hg19) VCF-style: chr17-48278804-T-C.
Other names: short protein forms E24G.
Identifiers: ClinVar variation 1757639 (VCV001757639.7), dbSNP rs201920416, ClinGen allele CA8645882.

ClinVar aggregate classification (germline): Conflicting classifications of pathogenicity. Review status: criteria provided, conflicting classifications (1 of 4 stars). 2 submissions from 2 submitters: Uncertain significance (1); Likely benign (1). Last evaluated 2023-11-16.

Conditions:
Osteogenesis imperfecta type I (OI1). Also called: Classic Non-deforming Osteogenesis Imperfecta with Blue Sclerae; OI, TYPE I; OSTEOGENESIS IMPERFECTA TARDA; OSTEOGENESIS IMPERFECTA WITH BLUE SCLERAE; Osteogenesis imperfecta type 1; Lobstein's Disease. Identifiers: Orphanet 216796, Orphanet 666, MedGen C0023931, MONDO:0008146, OMIM 166200. Disease mechanism: loss of function.
Cardiovascular phenotype. Identifiers: MedGen CN230736.

Allele frequency attached by ClinVar (database versions not stated): gnomAD 0.00001; gnomAD exomes 0.00001; ExAC 0.00002; 1000 Genomes Project 0.00020; 1000 Genomes Project 30x 0.00031.

Submissions (2):

Ambry Genetics
Classification: Uncertain significance for Cardiovascular phenotype. Last evaluated: 2023-11-16. Review status: criteria provided, single submitter. Criteria: Ambry Variant Classification Scheme 2023. Collection method: clinical testing. Allele origin: germline.
Comment: The p.E24G variant (also known as c.71A>G), located in coding exon 1 of the COL1A1 gene, results from an A to G substitution at nucleotide position 71. The glutamic acid at codon 24 is replaced by glycine, an amino acid with similar properties. This amino acid position is not well conserved in available vertebrate species. In addition, this alteration is predicted to be tolerated by in silico analysis. Since supporting evidence is limited at this time, the clinical significance of this alteration remains unclear.

Labcorp Genetics (formerly Invitae), Labcorp
Classification: Likely benign for Osteogenesis imperfecta type I. Last evaluated: 2023-09-05. Review status: criteria provided, single submitter. Criteria: Invitae Variant Classification Sherloc (09022015). Collection method: clinical testing. Allele origin: germline.